The following is an entry in ClinVar:

ClinVar aggregate classification (germline): Conflicting classifications of pathogenicity. Review status: criteria provided, conflicting classifications (1 of 4 stars). 2 submissions from 2 submitters: Uncertain significance (1); Likely benign (1). Last evaluated 2026-02-12.

Conditions:
Hereditary cancer-predisposing syndrome. Also called: Tumor predisposition; Neoplastic Syndromes, Hereditary; Hereditary Cancer Syndrome; Hereditary neoplastic syndrome. Identifiers: Orphanet 140162, MedGen C0027672, MeSH D009386, MONDO:0015356.
Familial cancer of breast. Also called: hereditary breast carcinoma; Hereditary breast cancer; BREAST CANCER, FAMILIAL. Identifiers: Orphanet 227535, MedGen C0346153, MONDO:0016419, OMIM 114480. Disease mechanism: loss of function.

Submissions (2):

Ambry Genetics
Classification: Uncertain significance for Hereditary cancer-predisposing syndrome. Last evaluated: 2026-02-12. Review status: criteria provided, single submitter. Criteria: Ambry Variant Classification Scheme 2023. Collection method: clinical testing. Allele origin: germline.
Comment: The c.212-5C>T intronic variant results from a C to T substitution 5 nucleotides upstream from coding exon 4 in the PALB2 gene. This nucleotide position is not well conserved in available vertebrate species. In silico splice site analysis predicts that this alteration will not have any significant effect on splicing. Based on the available evidence, the clinical significance of this variant remains unclear.

Myriad Genetics, Inc.
Classification: Likely benign for Familial cancer of breast. Last evaluated: 2025-01-10. Review status: criteria provided, single submitter. Criteria: Myriad Autosomal Dominant, Autosomal Recessive and X-Linked Classification Criteria (2023). Collection method: clinical testing. Allele origin: unknown.
Comment: This variant is considered likely benign. This variant is intronic and is not expected to impact mRNA splicing.

NM_024675.4(PALB2):c.212-5C>T

Gene: PALB2 (partner and localizer of BRCA2; minus strand). Cytogenetic location: 16p12.2.
Variant type: single nucleotide variant.
Coding change: c.212-5C>T on transcript NM_024675.4 (MANE Select); 5 bases into the intron before coding-DNA position 212, C replaced by T.
Molecular consequence: intron variant.
Genome position (GRCh38, 1-based): chr16:23,636,339, G>A on the plus strand (C>T on the coding strand, the complement: PALB2 is on the minus strand). VCF-style: chr16-23636339-G-A. GRCh37 (hg19) VCF-style: chr16-23647660-G-A.
Identifiers: ClinVar variation 820767 (VCV000820767.6), dbSNP rs1597099922, ClinGen allele CA915949138.